The following is an entry in ClinVar:

NM_001329943.3(KIAA0586):c.2533C>T (p.Pro845Ser)

Gene: KIAA0586 (KIAA0586; plus strand). Cytogenetic location: 14q23.1.
Variant type: single nucleotide variant.
Coding change: c.2533C>T on transcript NM_001329943.3 (MANE Select); coding-DNA position 2533, C replaced by T.
Protein change: p.Pro845Ser; replaces proline 845 with serine.
Molecular consequence: missense variant.
Genome position (GRCh38, 1-based): chr14:58,470,703, C>T. VCF-style: chr14-58470703-C-T. GRCh37 (hg19) VCF-style: chr14-58937421-C-T.
Other names: c.2305C>T (NM_014749.3); c.2692C>T, p.Pro898Ser (NM_001244189.2); c.2488C>T, p.Pro830Ser (NM_001244190.2); c.2278C>T, p.Pro760Ser (NM_001244191.2, NM_001329945.2, NM_001364700.1 and 1 more transcripts); c.2401C>T, p.Pro801Ser (NM_001244192.2); c.2113C>T, p.Pro705Ser (NM_001244193.2); c.2533C>T, p.Pro845Ser (NM_001329944.2, NM_001329946.2, NM_001329947.2); c.2305C>T, p.Pro769Ser (NM_014749.5); short protein forms P705S, P845S, P830S, P898S, P769S, P760S, P801S.
Identifiers: ClinVar variation 1507219 (VCV001507219.6), dbSNP rs377023593, ClinGen allele CA7205903.

ClinVar aggregate classification (germline): Uncertain significance. Review status: criteria provided, multiple submitters, no conflicts (2 of 4 stars). 3 submissions from 3 submitters: Uncertain significance (3). Last evaluated 2025-12-11.

Conditions:
Short-rib thoracic dysplasia 14 with polydactyly (SRTD14). Identifiers: Orphanet 397715, MedGen C4225286, MONDO:0014688, OMIM 616546.
Joubert syndrome 23 (JBTS23). Identifiers: Orphanet 475, MedGen C4084822, MONDO:0014664, OMIM 616490.
Inborn genetic diseases. Identifiers: MedGen C0950123, MeSH D030342.

Allele frequency attached by ClinVar (database versions not stated): gnomAD 0.00001; gnomAD exomes 0.00006; TOPMed 0.00006; ExAC 0.00008; 1000 Genomes Project 30x 0.00016.
gnomAD v4.1: 33 of 1,577,684 alleles (0.0021%); highest among the groups gnomAD compares: East Asian, 0.038%; no homozygotes.

Submissions (3):

Ambry Genetics
Classification: Uncertain significance for Inborn genetic diseases. Last evaluated: 2025-12-11. Review status: criteria provided, single submitter. Criteria: Ambry Variant Classification Scheme 2023. Collection method: clinical testing. Allele origin: germline.

Blueprint Genetics
Classification: Uncertain significance. Last evaluated: 2022-11-29. Review status: criteria provided, single submitter. Criteria: ACMG Guidelines, 2015. Collection method: clinical testing. Allele origin: germline.

Labcorp Genetics (formerly Invitae), Labcorp
Classification: Uncertain significance for Joubert syndrome 23; Short-rib thoracic dysplasia 14 with polydactyly. Last evaluated: 2022-03-29. Review status: criteria provided, single submitter. Criteria: Invitae Variant Classification Sherloc (09022015). Collection method: clinical testing. Allele origin: germline.
Comment: This sequence change replaces proline, which is neutral and non-polar, with serine, which is neutral and polar, at codon 898 of the KIAA0586 protein (p.Pro898Ser). This variant is present in population databases (rs377023593, gnomAD 0.08%). This variant has not been reported in the literature in individuals affected with KIAA0586-related conditions. Algorithms developed to predict the effect of missense changes on protein structure and function are either unavailable or do not agree on the potential impact of this missense change (SIFT: "Deleterious"; PolyPhen-2: "Benign"; Align-GVGD: "Class C0"). In summary, the available evidence is currently insufficient to determine the role of this variant in disease. Therefore, it has been classified as a Variant of Uncertain Significance.